The following is an entry in ClinVar:

ClinVar aggregate classification (germline): Uncertain significance (1 of 4 stars; one submission).

Allele frequency attached by ClinVar (database versions not stated): TOPMed below 0.00001; gnomAD 0.00001; gnomAD exomes 0.00001.
gnomAD v4.1: 10 of 1,613,890 alleles (0.00062%); highest among the groups gnomAD compares: Admixed American, 0.005%; no homozygotes.

Submission:

Labcorp Genetics (formerly Invitae), Labcorp
Classification: Uncertain significance. Last evaluated: 2022-08-22. Review status: criteria provided, single submitter. Criteria: Invitae Variant Classification Sherloc (09022015). Collection method: clinical testing. Allele origin: germline.
Comment: This sequence change replaces isoleucine, which is neutral and non-polar, with valine, which is neutral and non-polar, at codon 839 of the DMXL2 protein (p.Ile839Val). In summary, the available evidence is currently insufficient to determine the role of this variant in disease. Therefore, it has been classified as a Variant of Uncertain Significance. Algorithms developed to predict the effect of sequence changes on RNA splicing suggest that this variant may create or strengthen a splice site. Algorithms developed to predict the effect of missense changes on protein structure and function are either unavailable or do not agree on the potential impact of this missense change (SIFT: "Tolerated"; PolyPhen-2: "Probably Damaging"; Align-GVGD: "Class C15"). This variant has not been reported in the literature in individuals affected with DMXL2-related conditions. This variant is present in population databases (no rsID available, gnomAD 0.006%).

NM_001378457.1(DMXL2):c.2515A>G (p.Ile839Val)

Gene: DMXL2 (Dmx like 2; minus strand). Cytogenetic location: 15q21.2.
Variant type: single nucleotide variant.
Coding change: c.2515A>G on transcript NM_001378457.1 (MANE Select); coding-DNA position 2515, A replaced by G.
Protein change: p.Ile839Val; replaces isoleucine 839 with valine.
Molecular consequence: missense variant. On other transcripts: non-coding transcript variant (2).
Genome position (GRCh38, 1-based): chr15:51,517,089, T>C on the plus strand (A>G on the coding strand, the complement: DMXL2 is on the minus strand). VCF-style: chr15-51517089-T-C. GRCh37 (hg19) VCF-style: chr15-51809286-T-C.
Other names: c.2515A>G, p.Ile839Val (NM_001378463.1, NM_015263.5, NM_001174116.3 and 6 more transcripts); c.2275A>G, p.Ile759Val (NM_001378464.1); short protein forms I759V, I839V.
Identifiers: ClinVar variation 2200654 (VCV002200654.4), dbSNP rs1187937491, ClinGen allele CA392440686.
Genomic context (GRCh38, chr15:51,517,089, plus strand): 5'-CCATGGGATAAAGTATACGAATATCACCAATTCACAAGCATGTTTTTACTTGGTTGGTTA[T>C]TGCGTCGAGTTCAATAATGCAGCCAGGTCGAGCAGTAGACTGTTGGCTCACAATATTAAA-3'
Protein context (NP_001365386.1, residues 829-849): RPGCIIELDA[Ile839Val]TNQCGSNTQL